The following is an entry in ClinVar:

ClinVar aggregate classification (germline): Uncertain significance (1 of 4 stars; one submission).

Submission:

GeneDx
Classification: Uncertain significance. Last evaluated: 2024-09-09. Review status: criteria provided, single submitter. Criteria: GeneDx Variant Classification Process June 2021. Collection method: clinical testing. Allele origin: germline. Affected: yes.
Comment: Has not been previously published as pathogenic or benign to our knowledge; Not observed at significant frequency in large population cohorts (gnomAD); In silico analysis supports that this missense variant has a deleterious effect on protein structure/function

NM_001134363.3(RBM20):c.1712T>C (p.Val571Ala)

Gene: RBM20 (RNA binding motif protein 20; plus strand). Cytogenetic location: 10q25.2.
Variant type: single nucleotide variant.
Coding change: c.1712T>C on transcript NM_001134363.3 (MANE Select); coding-DNA position 1712, T replaced by C.
Protein change: p.Val571Ala; replaces valine 571 with alanine.
Molecular consequence: missense variant.
Genome position (GRCh38, 1-based): chr10:110,799,830, T>C. VCF-style: chr10-110799830-T-C. GRCh37 (hg19) VCF-style: chr10-112559588-T-C.
Other names: short protein forms V571A.
Identifiers: ClinVar variation 3767583 (VCV003767583.1).